The following is an entry in ClinVar:

NM_020822.3(KCNT1):c.1510+251C>T

Gene: KCNT1 (potassium sodium-activated channel subfamily T member 1; plus strand). Cytogenetic location: 9q34.3.
Variant type: single nucleotide variant.
Coding change: c.1510+251C>T on transcript NM_020822.3 (MANE Select); 251 bases into the intron after coding-DNA position 1510, C replaced by T.
Molecular consequence: intron variant.
Genome position (GRCh38, 1-based): chr9:135,769,188, C>T. VCF-style: chr9-135769188-C-T. GRCh37 (hg19) VCF-style: chr9-138661034-C-T.
Other names: c.1375+251C>T (NM_001272003.2).
Identifiers: ClinVar variation 668816 (VCV000668816.1), dbSNP rs56413753, ClinGen allele CA13003892.

ClinVar aggregate classification (germline): Likely benign (1 of 4 stars; one submission).

Allele frequency attached by ClinVar (database versions not stated): gnomAD 0.04937 and 0.04992; 1000 Genomes Project 0.13059.
gnomAD v4.1: 5,701 of 114,736 alleles (5%); highest among the groups gnomAD compares: Non-Finnish European, 7.2%; 120 homozygotes.

Submission:

GeneDx
Classification: Likely benign. Last evaluated: 2018-06-18. Review status: criteria provided, single submitter. Criteria: GeneDx Variant Classification (06012015). Collection method: clinical testing. Allele origin: germline. Affected: yes.
Comment: This variant is considered likely benign or benign based on one or more of the following criteria: it is a conservative change, it occurs at a poorly conserved position in the protein, it is predicted to be benign by multiple in silico algorithms, and/or has population frequency not consistent with disease.